The following is an entry in ClinVar:

NM_000108.5(DLD):c.470C>G (p.Thr157Ser)

Gene: DLD (dihydrolipoamide dehydrogenase; plus strand). Cytogenetic location: 7q31.1.
Variant type: single nucleotide variant.
Coding change: c.470C>G on transcript NM_000108.5 (MANE Select); coding-DNA position 470, C replaced by G.
Protein change: p.Thr157Ser; replaces threonine 157 with serine.
Molecular consequence: missense variant. On other transcripts: intron variant (1).
Genome position (GRCh38, 1-based): chr7:107,905,392, C>G. VCF-style: chr7-107905392-C-G. GRCh37 (hg19) VCF-style: chr7-107545837-C-G.
Other names: c.173C>G, p.Thr58Ser (NM_001289750.1); c.401C>G, p.Thr134Ser (NM_001289751.1); c.438+334C>G (NM_001289752.1); c.470C>G (NM_000108.3); short protein forms T134S, T58S, T157S.
Identifiers: ClinVar variation 640413 (VCV000640413.6), dbSNP rs142232609, ClinGen allele CA4434481.
Genomic context (GRCh38, chr7:107,905,392, plus strand): 5'-TGTGAATTTATAAAGATTATTTTGTAAAGGTTGTTCATGTCAATGGATATGGAAAGATAA[C>G]TGGCAAAAATCAAGTCACTGCTACGAAAGCTGATGGCGGCACTCAGGTTATTGATACAAA-3'
Protein context (NP_000099.2, residues 147-167): VVHVNGYGKI[Thr157Ser]GKNQVTATKA

ClinVar aggregate classification (germline): Uncertain significance. Review status: criteria provided, multiple submitters, no conflicts (2 of 4 stars). 4 submissions from 4 submitters: Uncertain significance (3). 1 of the submissions does not count toward it. Last evaluated 2025-08-04.

Conditions:
Inborn genetic diseases. Identifiers: MedGen C0950123, MeSH D030342.
Pyruvate dehydrogenase E3 deficiency (DLDD). Also called: Dihydrolipoamide Dehydrogenase E3 Deficiency; DLD DEFICIENCY; E3 DEFICIENCY; Dihydrolipoamide Dehydrogenase Deficiency; Dihydrolipoamide Dehydrogenase (E3) Deficiency; Lipoamide dehydrogenase deficiency, lactic acidosis due to. Identifiers: Orphanet 2394, Orphanet 765, MedGen C5574660, MONDO:0009529, OMIM 246900.

Allele frequency attached by ClinVar (database versions not stated): ExAC 0.00003; gnomAD exomes 0.00004; ESP Exome Variant Server 0.00008; gnomAD 0.00021 and 0.00024; TOPMed 0.00061; 1000 Genomes Project 30x 0.00078; 1000 Genomes Project 0.00080.
gnomAD v4.1: 71 of 1,613,616 alleles (0.0044%); highest among the groups gnomAD compares: Admixed American, 0.093%; no homozygotes.

Submissions (4):

Ambry Genetics
Classification: Uncertain significance for Inborn genetic diseases. Last evaluated: 2025-08-04. Review status: criteria provided, single submitter. Criteria: Ambry Variant Classification Scheme 2023. Collection method: clinical testing. Allele origin: germline.

GeneDx
Classification: Uncertain significance. Last evaluated: 2024-08-26. Review status: criteria provided, single submitter. Criteria: GeneDx Variant Classification Process June 2021. Collection method: clinical testing. Allele origin: germline. Affected: yes.
Comment: In silico analysis indicates that this missense variant does not alter protein structure/function; Has not been previously published as pathogenic or benign to our knowledge

Labcorp Genetics (formerly Invitae), Labcorp
Classification: Uncertain significance for Pyruvate dehydrogenase E3 deficiency. Last evaluated: 2022-10-13. Review status: criteria provided, single submitter. Criteria: Invitae Variant Classification Sherloc (09022015). Collection method: clinical testing. Allele origin: germline.
Comment: This sequence change replaces threonine, which is neutral and polar, with serine, which is neutral and polar, at codon 157 of the DLD protein (p.Thr157Ser). This variant is present in population databases (rs142232609, gnomAD 0.01%). This variant has not been reported in the literature in individuals affected with DLD-related conditions. ClinVar contains an entry for this variant (Variation ID: 640413). Advanced modeling of protein sequence and biophysical properties (such as structural, functional, and spatial information, amino acid conservation, physicochemical variation, residue mobility, and thermodynamic stability) performed at Invitae indicates that this missense variant is not expected to disrupt DLD protein function. In summary, the available evidence is currently insufficient to determine the role of this variant in disease. Therefore, it has been classified as a Variant of Uncertain Significance.

Natera, Inc.
Classification: Uncertain significance for Maple syrup urine disease type 3. Last evaluated: 2020-04-16. Review status: no assertion criteria provided. Collection method: clinical testing. Allele origin: germline. Not counted in ClinVar's aggregate classification.